The following is an entry in ClinVar:

ClinVar aggregate classification (germline): Conflicting classifications of pathogenicity. Review status: criteria provided, conflicting classifications (1 of 4 stars). 7 submissions from 7 submitters: Pathogenic (2); Likely pathogenic (2); Uncertain significance (2). 1 of the submissions does not count toward it. Last evaluated 2025-09-16.

Conditions:
BRAF-related disorder. Also called: BRAF-related condition.
Cardio-facio-cutaneous syndrome. Also called: Cardiofaciocutaneous syndrome; CFC syndrome. Identifiers: Orphanet 1340, MedGen C1275081, MONDO:0015280. Disease mechanism: gain of function.
Inborn genetic diseases. Identifiers: MedGen C0950123, MeSH D030342.
RASopathy. Also called: Noonan spectrum disorder; rasopathies. Identifiers: Orphanet 536391, MedGen C5555857, MONDO:0021060.
Cardiofaciocutaneous syndrome 1 (CFC1). Also called: BRAF-Related Cardiofaciocutaneous Syndrome. Identifiers: Orphanet 1340, MedGen CN029449, MONDO:0007265, OMIM 115150. Disease mechanism: gain of function.

Submissions (7):

GeneDx
Classification: Pathogenic. Last evaluated: 2025-09-16. Review status: criteria provided, single submitter. Criteria: GeneDx Variant Classification Process June 2021. Collection method: clinical testing. Allele origin: germline. Affected: yes.
Comment: Published functional studies demonstrate a damaging effect with increased ERK phosphorylation (PMID: 27478040); Not observed at significant frequency in large population cohorts (gnomAD); In silico analysis supports that this missense variant has a deleterious effect on protein structure/function; Missense variants in this gene are a common cause of disease and they are underrepresented in the general population; This variant is associated with the following publications: (PMID: 27505666, 34625582, 27478437, 35353015, 29493581, 35524774, Luk2013[CaseReport], 27478040)

3billion
Classification: Likely pathogenic for BRAF-related disorder. Last evaluated: 2025-06-15. Review status: criteria provided, single submitter. Criteria: ACMG Guidelines, 2015. Collection method: clinical testing. Allele origin: germline. Affected: yes.
Comment: The variant is not observed in the gnomAD v4.1.0 dataset. Predicted Consequence/Location: Missense variant. Missense changes are a common disease-causing mechanism. In silico tool predictions suggest damaging effect of the variant on gene or gene product [REVEL: 0.95 (>=0.6, sensitivity 0.68 and specificity 0.92); 3Cnet: 0.99 (> 0.75, sensitivity 0.96 and precision 0.92)]. The same nucleotide change resulting in the same amino acid change has been previously reported as pathogenic/likely pathogenic with strong evidence (ClinVar ID: VCV000040384 / 3billion dataset). Different missense changes at the same codon (p.His574Leu, p.His574Tyr) have been reported to be associated with BRAF-related disorder (ClinVar ID: VCV000044810 /PMID: 35524774). Therefore, this variant is classified as Likely pathogenic according to the recommendation of ACMG/AMP guideline.

Women's Health and Genetics/Laboratory Corporation of America, LabCorp
Classification: Uncertain significance. Last evaluated: 2024-10-23. Review status: criteria provided, single submitter. Criteria: LabCorp Variant Classification Summary - May 2015. Collection method: clinical testing. Allele origin: germline.
Comment: Variant summary: BRAF c.1722C>G (p.His574Gln) results in a non-conservative amino acid change located in the protein kinase domain (IPR000719) of the encoded protein sequence. Five of five in-silico tools predict a damaging effect of the variant on protein function. The variant was absent in 251220 control chromosomes (gnomAD). The available data on variant occurrences in the general population are insufficient to allow any conclusion about variant significance. c.1722C>G has been reported in the literature in at least an individual with seizures and intellectual disability (example: Pierpont_2022). This report does not provide unequivocal conclusions about association of the variant with Cardiofaciocutaneous Syndrome. To our knowledge, no experimental evidence demonstrating an impact on protein function has been reported. The following publication have been ascertained in the context of this evaluation (PMID: 35524774). ClinVar contains an entry for this variant (Variation ID: 40384). Based on the evidence outlined above, the variant was classified as uncertain significance.

Labcorp Genetics (formerly Invitae), Labcorp
Classification: Uncertain significance for RASopathy. Last evaluated: 2023-07-30. Review status: criteria provided, single submitter. Criteria: Invitae Variant Classification Sherloc (09022015). Collection method: clinical testing. Allele origin: germline.
Comment: In summary, the available evidence is currently insufficient to determine the role of this variant in disease. Therefore, it has been classified as a Variant of Uncertain Significance. Experimental studies have shown that this missense change affects BRAF function (PMID: 27478040). Advanced modeling of protein sequence and biophysical properties (such as structural, functional, and spatial information, amino acid conservation, physicochemical variation, residue mobility, and thermodynamic stability) performed at Invitae indicates that this missense variant is expected to disrupt BRAF protein function. ClinVar contains an entry for this variant (Variation ID: 40384). This variant has not been reported in the literature in individuals affected with BRAF-related conditions. This variant is not present in population databases (gnomAD no frequency). This sequence change replaces histidine, which is basic and polar, with glutamine, which is neutral and polar, at codon 574 of the BRAF protein (p.His574Gln).

HudsonAlpha Institute for Biotechnology
Classification: Pathogenic for Cardiofaciocutaneous syndrome 1. Last evaluated: 2018-05-22. Review status: criteria provided, single submitter. Criteria: ACMG Guidelines, 2015. Collection method: research. Allele origin: de novo. Affected: yes. Observed: 1 variant allele. Study: AGHI-WGS-HudsonAlpha.

Ambry Genetics
Classification: Likely pathogenic for Inborn genetic diseases. Last evaluated: 2018-01-29. Review status: criteria provided, single submitter. Criteria: Ambry exome assertion method (8-5-2015). Collection method: clinical testing. Allele origin: germline. Affected: yes. Observed: 1 variant allele.

Service de Génétique Moléculaire, Hôpital Robert Debré
Classification: Likely pathogenic for Cardio-facio-cutaneous syndrome. Review status: no assertion criteria provided. Collection method: clinical testing. Allele origin: de novo. Affected: yes. Observed: 1 variant allele. Not counted in ClinVar's aggregate classification.

Literature cited by the submitters: PubMed 35524774 (cited by 3billion and Women's Health and Genetics/Laboratory Corporation of America, LabCorp); PubMed 27478040 (cited by Labcorp Genetics (formerly Invitae), Labcorp and Ambry Genetics).

NM_004333.6(BRAF):c.1722C>G (p.His574Gln)

Gene: BRAF (B-Raf proto-oncogene, serine/threonine kinase; minus strand). Cytogenetic location: 7q34.
Variant type: single nucleotide variant.
Coding change: c.1722C>G on transcript NM_004333.6 (MANE Select); coding-DNA position 1722, C replaced by G.
Protein change: p.His574Gln; replaces histidine 574 with glutamine.
Molecular consequence: missense variant.
Genome position (GRCh38, 1-based): chr7:140,754,206, G>C on the plus strand (C>G on the coding strand, the complement: BRAF is on the minus strand). VCF-style: chr7-140754206-G-C. GRCh37 (hg19) VCF-style: chr7-140454006-G-C.
Other names: p.H574Q:CAC>CAG; c.1722C>G, p.His574Gln (NM_001354609.2, NM_001378468.1, NM_001378474.1); c.1842C>G, p.His614Gln (NM_001374244.1, NM_001374258.1); c.1731C>G, p.His577Gln (NM_001378467.1); c.1656C>G, p.His552Gln (NM_001378469.1); c.1620C>G, p.His540Gln (NM_001378470.1); c.1611C>G, p.His537Gln (NM_001378471.1); c.1566C>G, p.His522Gln (NM_001378472.1, NM_001378473.1); and 1 more; short protein forms H574Q, H486Q, H522Q, H537Q, H540Q, H552Q, H577Q, H614Q.
Identifiers: ClinVar variation 40384 (VCV000040384.14), dbSNP rs397507481, ClinGen allele CA281986.
Genomic context (GRCh38, chr7:140,754,206, plus strand): 5'-GGATGTTTTCAAACTTCGCAGACAAATTTCAGGAAGGATACTATTACTCTTGAGGTCTCT[G>C]TGGATGATTGACTTGGCGTGTAAGTAACTGAAAAACAAAACATCATTTTAACCTGAGTAG-3'
Protein context (NP_004324.2, residues 564-584): MDYLHAKSII[His574Gln]RDLKSNNIFL